The following is an entry in ClinVar:

NM_001034853.2(RPGR):c.2661A>G (p.Gly887=)

Gene: RPGR (retinitis pigmentosa GTPase regulator; minus strand). Cytogenetic location: Xp11.4.
Variant type: single nucleotide variant.
Coding change: c.2661A>G on transcript NM_001034853.2 (MANE Select); coding-DNA position 2661, A replaced by G.
Protein change: p.Gly887=; no amino-acid change (glycine 887 retained).
Molecular consequence: synonymous variant. On other transcripts: intron variant (8).
Genome position (GRCh38, 1-based): chrX:38,286,338, T>C on the plus strand (A>G on the coding strand, the complement: RPGR is on the minus strand). VCF-style: chrX-38286338-T-C. GRCh37 (hg19) VCF-style: chrX-38145591-T-C.
Other names: c.1569+4621A>G (NM_001367249.1, NM_001367250.1); c.1902+756A>G (NM_001367245.1); c.1386+4621A>G (NM_001367251.1); c.1719+756A>G (NM_001367246.1); c.1572+4621A>G (NM_001367247.1); c.1905+756A>G (NM_000328.3); c.1602+4621A>G (NM_001367248.1).
Identifiers: ClinVar variation 5038559 (VCV005038559.1).

ClinVar aggregate classification (germline): Likely benign (1 of 4 stars; one submission).

Submission:

CeGaT Center for Human Genetics Tuebingen
Classification: Likely benign. Last evaluated: 2026-07-01. Review status: criteria provided, single submitter. Criteria: CeGaT Center For Human Genetics Tuebingen Variant Classification Criteria Version 2. Collection method: clinical testing. Allele origin: germline. Affected: yes. Observed: 1 variant allele.
Comment: RPGR: BP4, BP7